The following is an entry in ClinVar:

ClinVar aggregate classification (germline): Conflicting classifications of pathogenicity. Review status: criteria provided, conflicting classifications (1 of 4 stars). 2 submissions from 2 submitters: Uncertain significance (1); Likely benign (1). Last evaluated 2026-01-26.

Conditions:
Inborn genetic diseases. Identifiers: MedGen C0950123, MeSH D030342.

Allele frequency attached by ClinVar (database versions not stated): gnomAD exomes 0.00002 and 0.00005; ExAC 0.00007; ESP Exome Variant Server 0.00008; 1000 Genomes Project 30x 0.00016; 1000 Genomes Project 0.00020; TOPMed 0.00020; gnomAD 0.00022 and 0.00025.
gnomAD v4.1: 62 of 1,590,780 alleles (0.0039%); highest among the groups gnomAD compares: African/African-American, 0.073%; no homozygotes.

Submissions (2):

Labcorp Genetics (formerly Invitae), Labcorp
Classification: Uncertain significance. Last evaluated: 2026-01-26. Review status: criteria provided, single submitter. Criteria: Invitae Variant Classification Sherloc (09022015). Collection method: clinical testing. Allele origin: germline.
Comment: This sequence change affects codon 570 of the SLC20A2 mRNA. It is a 'silent' change, meaning that it does not change the encoded amino acid sequence of the SLC20A2 protein. It affects a nucleotide within the consensus splice site. The frequency data for this variant in the population databases is considered unreliable, as metrics indicate poor data quality at this position in the gnomAD database. This variant has not been reported in the literature in individuals affected with SLC20A2-related conditions. ClinVar contains an entry for this variant (Variation ID: 1351044). Algorithms developed to predict the effect of sequence changes on RNA splicing suggest that this variant is not likely to affect RNA splicing. In summary, the available evidence is currently insufficient to determine the role of this variant in disease. Therefore, it has been classified as a Variant of Uncertain Significance.

Ambry Genetics
Classification: Likely benign for Inborn genetic diseases. Last evaluated: 2025-09-22. Review status: criteria provided, single submitter. Criteria: Ambry Variant Classification Scheme 2023. Collection method: clinical testing. Allele origin: germline.

NM_001257180.2(SLC20A2):c.1710C>T (p.Ser570=)

Gene: SLC20A2 (solute carrier family 20 member 2; minus strand). Cytogenetic location: 8p11.21.
Variant type: single nucleotide variant.
Coding change: c.1710C>T on transcript NM_001257180.2 (MANE Select); coding-DNA position 1710, C replaced by T.
Protein change: p.Ser570=; no amino-acid change (serine 570 retained).
Molecular consequence: synonymous variant.
Genome position (GRCh38, 1-based): chr8:42,428,842, G>A on the plus strand (C>T on the coding strand, the complement: SLC20A2 is on the minus strand). VCF-style: chr8-42428842-G-A. GRCh37 (hg19) VCF-style: chr8-42286360-G-A.
Other names: c.1710C>T, p.Ser570= (NM_001257181.2, NM_006749.5); c.1710C>T (NM_006749.3).
Identifiers: ClinVar variation 1351044 (VCV001351044.7), dbSNP rs370590168, ClinGen allele CA4733232.
Genomic context (GRCh38, chr8:42,428,842, plus strand): 5'-AAGCCCGATGTTGGAGGCGATCACCACTGTGAAGGCTGAGGCCAGCTCGATCGTGAAGCC[G>A]CTGTGGGGGGAGCATGAGACACGTCACAGGTGCCCTCTGTATCAGCCTCCCTGACACCCC-3'
Protein context (NP_001244109.1, residues 560-580): GKDLTPITPS[Ser570=]GFTIELASAF